The following is an entry in ClinVar:

ClinVar aggregate classification (germline): Uncertain significance (1 of 4 stars; one submission).

Submission:

CeGaT Center for Human Genetics Tuebingen
Classification: Uncertain significance. Last evaluated: 2026-08-01. Review status: criteria provided, single submitter. Criteria: CeGaT Center For Human Genetics Tuebingen Variant Classification Criteria Version 2. Collection method: clinical testing. Allele origin: germline. Affected: yes. Observed: 1 variant allele.
Comment: NALCN: PM2

NM_052867.4(NALCN):c.2579+1G>A

Gene: NALCN (sodium leak channel, non-selective; minus strand). Cytogenetic location: 13q33.1.
Variant type: single nucleotide variant.
Coding change: c.2579+1G>A on transcript NM_052867.4 (MANE Select); the canonical splice donor site of the intron after coding-DNA position 2579, G replaced by A.
Molecular consequence: splice donor variant.
Genome position (GRCh38, 1-based): chr13:101,107,486, C>T on the plus strand (G>A on the coding strand, the complement: NALCN is on the minus strand). VCF-style: chr13-101107486-C-T. GRCh37 (hg19) VCF-style: chr13-101759837-C-T.
Other names: c.2492+1G>A (NM_001350751.2, NM_001350750.2); c.2579+1G>A (NM_001350749.2); c.2666+1G>A (NM_001350748.2).
Identifiers: ClinVar variation 5039763 (VCV005039763.1).